The following is an entry in ClinVar:

NM_025137.4(SPG11):c.1422T>A (p.Ser474Arg)

Gene: SPG11 (SPG11 vesicle trafficking associated, spatacsin; minus strand). Cytogenetic location: 15q21.1.
Variant type: single nucleotide variant.
Coding change: c.1422T>A on transcript NM_025137.4 (MANE Select); coding-DNA position 1422, T replaced by A.
Protein change: p.Ser474Arg; replaces serine 474 with arginine.
Molecular consequence: missense variant.
Genome position (GRCh38, 1-based): chr15:44,651,525, A>T on the plus strand (T>A on the coding strand, the complement: SPG11 is on the minus strand). VCF-style: chr15-44651525-A-T. GRCh37 (hg19) VCF-style: chr15-44943723-A-T.
Other names: c.1422T>A, p.Ser474Arg (NM_001160227.2); short protein forms S474R.
Identifiers: ClinVar variation 843720 (VCV000843720.9), dbSNP rs2084775958, ClinGen allele CA392235874.
Genomic context (GRCh38, chr15:44,651,525, plus strand): 5'-TTCAATCTAATACAAGACAGTCTCACCTGTCAAAACAAAGCACAGCTGCTGGTCTCCACT[A>T]CTGTCTACAGGAATACACTTTGTGCCAAGGGAAAAACACTGCATGCCCTGGGTCTCCAAA-3'
Protein context (NP_079413.3, residues 464-484): SLGTKCIPVD[Ser474Arg]SGDQQLCFVL

ClinVar aggregate classification (germline): Uncertain significance (1 of 4 stars; one submission).

Conditions:
Hereditary spastic paraplegia 11. Also called: Spastic paraplegia, mental retardation and thin corpus callosum; Nakamura Osame syndrome; Autosomal recessive hereditary spastic paraplegia, mental impairment, and thin corpus callosum; SPASTIC PARAPLEGIA, AUTOSOMAL RECESSIVE, COMPLICATED, WITH THIN CORPUS CALLOSUM; SPASTIC PARAPLEGIA, AUTOSOMAL RECESSIVE, WITH MENTAL IMPAIRMENT AND THIN CORPUS CALLOSUM; Spastic Paraplegia 11. Identifiers: Orphanet 2822, MedGen C1858479, MONDO:0011445, OMIM 604360.

Submission:

Labcorp Genetics (formerly Invitae), Labcorp
Classification: Uncertain significance for Hereditary spastic paraplegia 11. Last evaluated: 2019-11-21. Review status: criteria provided, single submitter. Criteria: Invitae Variant Classification Sherloc (09022015). Collection method: clinical testing. Allele origin: germline.
Comment: This sequence change replaces serine with arginine at codon 474 of the SPG11 protein (p.Ser474Arg). The serine residue is weakly conserved and there is a moderate physicochemical difference between serine and arginine. In summary, the available evidence is currently insufficient to determine the role of this variant in disease. Therefore, it has been classified as a Variant of Uncertain Significance. Algorithms developed to predict the effect of missense changes on protein structure and function are either unavailable or do not agree on the potential impact of this missense change (SIFT: "Tolerated"; PolyPhen-2: "Possibly Damaging"; Align-GVGD: "Class C0"). This variant has not been reported in the literature in individuals with SPG11-related conditions. This variant is not present in population databases (ExAC no frequency).